The following is an entry in ClinVar:

ClinVar aggregate classification (germline): Uncertain significance (1 of 4 stars; one submission).

Conditions:
STING-associated vasculopathy with onset in infancy. Also called: Sting-associated vasculopathy, infantile-onset. Identifiers: Orphanet 425120, MedGen C4014722, MONDO:0014405, OMIM 615934.

Submission:

Labcorp Genetics (formerly Invitae), Labcorp
Classification: Uncertain significance for STING-associated vasculopathy with onset in infancy. Last evaluated: 2025-08-31. Review status: criteria provided, single submitter. Criteria: Invitae Variant Classification Sherloc (09022015). Collection method: clinical testing. Allele origin: germline.
Comment: This sequence change creates a premature translational stop signal (p.Cys91Alafs*40) in the TMEM173 gene. It is expected to result in an absent or disrupted protein product. However, the current clinical and genetic evidence is not sufficient to establish whether loss-of-function variants in TMEM173 cause disease. This variant is not present in population databases (gnomAD no frequency). This variant has not been reported in the literature in individuals affected with TMEM173-related conditions. In summary, the available evidence is currently insufficient to determine the role of this variant in disease. Therefore, it has been classified as a Variant of Uncertain Significance.

NM_198282.4(STING1):c.271del (p.Cys91fs)

Genes: STING1 (stimulator of interferon response cGAMP interactor 1; minus strand), LOC123522803 (Sharpr-MPRA regulatory region 11914; plus strand). Cytogenetic location: 5q31.2.
Variant type: Deletion.
Coding change: c.271del on transcript NM_198282.4 (MANE Select); coding-DNA position 271, one base deleted (T; older notation c.271delT).
Protein change: p.Cys91fs; shifts the reading frame from cysteine 91.
Molecular consequence: frameshift variant. On other transcripts: 5 prime UTR variant (1).
Genome position (GRCh38, 1-based): chr5:139,481,299, A deleted on the plus strand (T on the coding strand, the reverse complement: STING1 is on the minus strand). VCF-style (leftmost placement, unchanged base first): chr5-139481298-CA-C. GRCh37 (hg19) VCF-style: chr5-138860883-CA-C.
Other names: c.271del, p.Cys91fs (NM_001301738.2); c.-87del (NM_001367258.1); short protein forms C91fs.
Identifiers: ClinVar variation 4804331 (VCV004804331.1).